The following is an entry in ClinVar:

NM_001696.4(ATP6V1E1):c.634C>T (p.Arg212Trp)

Gene: ATP6V1E1 (ATPase H+ transporting V1 subunit E1; minus strand). Cytogenetic location: 22q11.21.
Variant type: single nucleotide variant.
Coding change: c.634C>T on transcript NM_001696.4 (MANE Select); coding-DNA position 634, C replaced by T.
Protein change: p.Arg212Trp; replaces arginine 212 with tryptophan.
Molecular consequence: missense variant.
Genome position (GRCh38, 1-based): chr22:17,592,721, G>A on the plus strand (C>T on the coding strand, the complement: ATP6V1E1 is on the minus strand). VCF-style: chr22-17592721-G-A. GRCh37 (hg19) VCF-style: chr22-18075487-G-A.
Other names: c.568C>T, p.Arg190Trp (NM_001039366.1); c.544C>T, p.Arg182Trp (NM_001039367.1); short protein forms R212W, R182W, R190W.
Identifiers: ClinVar variation 417760 (VCV000417760.17), dbSNP rs1028534806, ClinGen allele CA16616867.

ClinVar aggregate classification (germline): Pathogenic/Likely pathogenic. Review status: criteria provided, multiple submitters, no conflicts (2 of 4 stars). 8 submissions from 8 submitters: Pathogenic (3); Likely pathogenic (4). 1 of the submissions does not count toward it. Last evaluated 2025-08-20.

Conditions:
Autosomal recessive cutis laxa type 2C. Also called: CUTIS LAXA, AUTOSOMAL RECESSIVE, TYPE IIC. Identifiers: MedGen C4479387, MONDO:0027462, OMIM 617402.
Cutis laxa. Identifiers: Orphanet 209, MedGen C0010495, MONDO:0016175, HP:0000973.

Allele frequency attached by ClinVar (database versions not stated): gnomAD exomes below 0.00001.
gnomAD v4.1: 2 of 1,613,864 alleles (0.00012%); highest among the groups gnomAD compares: South Asian, 0.0022%; no homozygotes.

Submissions (8):

Labcorp Genetics (formerly Invitae), Labcorp
Classification: Likely pathogenic. Last evaluated: 2025-08-20. Review status: criteria provided, single submitter. Criteria: Invitae Variant Classification Sherloc (09022015). Collection method: clinical testing. Allele origin: germline.
Comment: This sequence change replaces arginine, which is basic and polar, with tryptophan, which is neutral and slightly polar, at codon 212 of the ATP6V1E1 protein (p.Arg212Trp). This variant is not present in population databases (gnomAD no frequency). This missense change has been observed in individuals with cutis laxa (PMID: 27023906, 28065471). It has also been observed to segregate with disease in related individuals. ClinVar contains an entry for this variant (Variation ID: 417760). An algorithm developed to predict the effect of missense changes on protein structure and function (PolyPhen-2) suggests that this variant is likely to be tolerated. In summary, the currently available evidence indicates that the variant is pathogenic, but additional data are needed to prove that conclusively. Therefore, this variant has been classified as Likely Pathogenic.

Fulgent Genetics
Classification: Likely pathogenic for Autosomal recessive cutis laxa type 2C. Last evaluated: 2024-03-20. Review status: criteria provided, single submitter. Criteria: ACMG Guidelines, 2015. Collection method: clinical testing. Allele origin: germline.

Women's Health and Genetics/Laboratory Corporation of America, LabCorp
Classification: Pathogenic for Cutis laxa. Last evaluated: 2024-03-20. Review status: criteria provided, single submitter. Criteria: LabCorp Variant Classification Summary - May 2015. Collection method: clinical testing. Allele origin: germline.
Comment: Variant summary: ATP6V1E1 c.634C>T (p.Arg212Trp) results in a non-conservative amino acid change in the encoded protein sequence. Five of five in-silico tools predict a damaging effect of the variant on protein function. The variant was absent in 249188 control chromosomes (gnomAD). c.634C>T has been reported in the literature in the homozygous state in at least four individuals (two sets of siblings) affected with ATP6V1E1-Related Cutis Laxa from two different families wherein the variant segregated with the disease phenotype (Alazami_2016, Van Damme_2017). These data indicate that the variant is very likely to be associated with disease. The following publications have been ascertained in the context of this evaluation (PMID: 27023906, 28065471). ClinVar contains an entry for this variant (Variation ID: 417760). Based on the evidence outlined above, the variant was classified as pathogenic.

Genomic Medicine Center of Excellence, King Faisal Specialist Hospital and Research Centre
Classification: Pathogenic for Autosomal recessive cutis laxa type 2C. Last evaluated: 2024-03-17. Review status: criteria provided, single submitter. Criteria: ACMG Guidelines, 2015. Collection method: research. Allele origin: germline.

GeneDx
Classification: Likely pathogenic. Last evaluated: 2022-10-19. Review status: criteria provided, single submitter. Criteria: GeneDx Variant Classification Process June 2021. Collection method: clinical testing. Allele origin: germline. Affected: yes.
Comment: Not observed at significant frequency in large population cohorts (gnomAD); In silico analysis supports that this missense variant has a deleterious effect on protein structure/function; Published in vitro functional studies suggest a damaging effect on glycosylation (Van Damme et al., 2017); This variant is associated with the following publications: (PMID: 27023906, 28065471)

Clinical Genetics Laboratory, Skane University Hospital Lund
Classification: Likely pathogenic. Last evaluated: 2022-05-27. Review status: criteria provided, single submitter. Criteria: ACMG Guidelines, 2015. Collection method: clinical testing. Allele origin: germline. Affected: yes.

Institute of Human Genetics Munich, TUM University Hospital
Classification: Pathogenic for Autosomal recessive cutis laxa type 2C. Last evaluated: 2017-12-11. Review status: criteria provided, single submitter. Criteria: Classification criteria August 2017. Collection method: clinical testing. Allele origin: inherited. Inheritance: Autosomal recessive inheritance. Affected: yes. Observed: 1 homozygote.

OMIM
Classification: Pathogenic for CUTIS LAXA, AUTOSOMAL RECESSIVE, TYPE IIC. Last evaluated: 2019-03-22. Review status: no assertion criteria provided. Collection method: literature only. Allele origin: germline. Not counted in ClinVar's aggregate classification.

Literature cited by the submitters: PubMed 27023906 (cited by 3 submitters); PubMed 28065471 (cited by 4 submitters).